The following is an entry in ClinVar:

NM_000368.5(TSC1):c.236A>T (p.Tyr79Phe)

Gene: TSC1 (TSC complex subunit 1; minus strand). Cytogenetic location: 9q34.13.
Variant type: single nucleotide variant.
Coding change: c.236A>T on transcript NM_000368.5 (MANE Select); coding-DNA position 236, A replaced by T.
Protein change: p.Tyr79Phe; replaces tyrosine 79 with phenylalanine.
Molecular consequence: missense variant. On other transcripts: 5 prime UTR variant (18), non-coding transcript variant (5), intron variant (5).
Genome position (GRCh38, 1-based): chr9:132,925,714, T>A on the plus strand (A>T on the coding strand, the complement: TSC1 is on the minus strand). VCF-style: chr9-132925714-T-A. GRCh37 (hg19) VCF-style: chr9-135801101-T-A.
Other names: c.236A>T, p.Tyr79Phe (NM_001162426.2, NM_001406592.1, NM_001406593.1 and 16 more transcripts); c.-128A>T (NM_001362177.2, NM_001406617.1, NM_001406618.1 and 5 more transcripts); c.-220A>T (NM_001406614.1, NM_001406616.1, NM_001406624.1); c.-253A>T (NM_001406615.1, NM_001406623.1); c.-642A>T (NM_001406626.1, NM_001406627.1, NM_001406628.1); c.-784A>T (NM_001406629.1); c.-858A>T (NM_001406630.1); c.210+1487A>T (NM_001406613.1, NM_001406612.1, NM_001406610.1 and 2 more transcripts); short protein forms Y79F.
Identifiers: ClinVar variation 2562881 (VCV002562881.2), dbSNP rs373855276, ClinGen allele CA375374769.

ClinVar aggregate classification (germline): Uncertain significance (1 of 4 stars; one submission).

Conditions:
Hereditary cancer-predisposing syndrome. Also called: Neoplastic Syndromes, Hereditary; Hereditary Cancer Syndrome; Hereditary neoplastic syndrome; Tumor predisposition. Identifiers: Orphanet 140162, MedGen C0027672, MeSH D009386, MONDO:0015356.

Submission:

Ambry Genetics
Classification: Uncertain significance for Hereditary cancer-predisposing syndrome. Last evaluated: 2023-04-18. Review status: criteria provided, single submitter. Criteria: Ambry Variant Classification Scheme 2023. Collection method: clinical testing. Allele origin: germline.
Comment: The p.Y79F variant (also known as c.236A>T), located in coding exon 3 of the TSC1 gene, results from an A to T substitution at nucleotide position 236. The tyrosine at codon 79 is replaced by phenylalanine, an amino acid with highly similar properties. This amino acid position is conserved. In addition, this alteration is predicted to be tolerated by in silico analysis. Since supporting evidence is limited at this time, the clinical significance of this alteration remains unclear.